The following is an entry in ClinVar:

ClinVar aggregate classification (germline): Uncertain significance. Review status: criteria provided, multiple submitters, no conflicts (2 of 4 stars). 3 submissions from 3 submitters: Uncertain significance (3). Last evaluated 2026-04-06.

Conditions:
RAX2-related disorder. Also called: RAX2-related disorders; RAX2-related condition.

Allele frequency attached by ClinVar (database versions not stated): gnomAD exomes 0.00004; gnomAD 0.00016 and 0.00019; TOPMed 0.00016; ExAC 0.00023; 1000 Genomes Project 30x 0.00031; 1000 Genomes Project 0.00040.
gnomAD v4.1: 71 of 1,561,086 alleles (0.0045%); highest among the groups gnomAD compares: African/African-American, 0.062%; no homozygotes.

Submissions (3):

PreventionGenetics, part of Exact Sciences
Classification: Uncertain significance for RAX2-related condition. Last evaluated: 2026-04-06. Review status: criteria provided, single submitter. Criteria: ACMG Guidelines, 2015. Collection method: clinical testing. Allele origin: germline.
Comment: The RAX2 c.250C>T variant is predicted to result in the amino acid substitution p.Arg84Cys. To our knowledge, this variant has not been reported in the literature. This variant is reported in 0.063% of alleles in individuals of African descent in gnomAD, which may be too frequent to be a primary cause of disease. Although we suspect that this variant may be benign, at this time, the clinical significance of this variant is uncertain due to the absence of conclusive functional and genetic evidence.

Labcorp Genetics (formerly Invitae), Labcorp
Classification: Uncertain significance. Last evaluated: 2025-11-27. Review status: criteria provided, single submitter. Criteria: Invitae Variant Classification Sherloc (09022015). Collection method: clinical testing. Allele origin: germline.
Comment: This sequence change replaces arginine, which is basic and polar, with cysteine, which is neutral and slightly polar, at codon 84 of the RAX2 protein (p.Arg84Cys). The frequency data for this variant in the population databases is considered unreliable, as metrics indicate poor data quality at this position in the gnomAD database. This variant has not been reported in the literature in individuals affected with RAX2-related conditions. ClinVar contains an entry for this variant (Variation ID: 856647). An algorithm developed to predict the effect of missense changes on protein structure and function (PolyPhen-2) suggests that this variant is likely to be disruptive. In summary, the available evidence is currently insufficient to determine the role of this variant in disease. Therefore, it has been classified as a Variant of Uncertain Significance.

Blueprint Genetics
Classification: Uncertain significance. Last evaluated: 2024-07-02. Review status: criteria provided, single submitter. Criteria: ACMG Guidelines, 2015. Collection method: clinical testing. Allele origin: germline.

NM_001319074.4(RAX2):c.250C>T (p.Arg84Cys)

Gene: RAX2 (retina and anterior neural fold homeobox 2; minus strand). Cytogenetic location: 19p13.3.
Variant type: single nucleotide variant.
Coding change: c.250C>T on transcript NM_001319074.4 (MANE Select); coding-DNA position 250, C replaced by T.
Protein change: p.Arg84Cys; replaces arginine 84 with cysteine.
Molecular consequence: missense variant.
Genome position (GRCh38, 1-based): chr19:3,770,926, G>A on the plus strand (C>T on the coding strand, the complement: RAX2 is on the minus strand). VCF-style: chr19-3770926-G-A. GRCh37 (hg19) VCF-style: chr19-3770924-G-A.
Other names: c.250C>T, p.Arg84Cys (NM_032753.4); short protein forms R84C.
Identifiers: ClinVar variation 856647 (VCV000856647.10), dbSNP rs148629445, ClinGen allele CA9085061.